The following is an entry in ClinVar:

ClinVar aggregate classification (germline): Uncertain significance. Review status: criteria provided, multiple submitters, no conflicts (2 of 4 stars). 2 submissions from 2 submitters: Uncertain significance (2). Last evaluated 2024-11-08.

Submissions (2):

GeneDx
Classification: Uncertain significance. Last evaluated: 2024-11-08. Review status: criteria provided, single submitter. Criteria: GeneDx Variant Classification Process June 2021. Collection method: clinical testing. Allele origin: germline.
Comment: Not observed at significant frequency in large population cohorts (gnomAD); In silico analysis supports that this missense variant has a deleterious effect on protein structure/function; Has not been previously published as pathogenic or benign to our knowledge.

AiLife Diagnostics
Classification: Uncertain significance. Last evaluated: 2021-12-31. Review status: criteria provided, single submitter. Criteria: ACMG Guidelines, 2015. Collection method: clinical testing. Allele origin: germline. Affected: yes. Observed: 1 variant allele.

NM_002471.4(MYH6):c.2519C>T (p.Pro840Leu)

Gene: MYH6 (myosin heavy chain 6; minus strand). Cytogenetic location: 14q11.2.
Variant type: single nucleotide variant.
Coding change: c.2519C>T on transcript NM_002471.4 (MANE Select); coding-DNA position 2519, C replaced by T.
Protein change: p.Pro840Leu; replaces proline 840 with leucine.
Molecular consequence: missense variant.
Genome position (GRCh38, 1-based): chr14:23,394,234, G>A on the plus strand (C>T on the coding strand, the complement: MYH6 is on the minus strand). VCF-style: chr14-23394234-G-A. GRCh37 (hg19) VCF-style: chr14-23863443-G-A.
Other names: c.2519C>T (NM_002471.3); short protein forms P840L.
Identifiers: ClinVar variation 1677754 (VCV001677754.3), dbSNP rs2138599856, ClinGen allele CA389014483.